The following is an entry in ClinVar:

NM_013339.4(ALG6):c.1128-3C>T

Gene: ALG6 (ALG6 alpha-1,3-glucosyltransferase; plus strand). Cytogenetic location: 1p31.3.
Variant type: single nucleotide variant.
Coding change: c.1128-3C>T on transcript NM_013339.4 (MANE Select); 3 bases into the intron before coding-DNA position 1128, C replaced by T.
Molecular consequence: intron variant.
Genome position (GRCh38, 1-based): chr1:63,428,925, C>T. VCF-style: chr1-63428925-C-T. GRCh37 (hg19) VCF-style: chr1-63894596-C-T.
Identifiers: ClinVar variation 1910124 (VCV001910124.2), dbSNP rs1192591598, ClinGen allele CA523752471.

ClinVar aggregate classification (germline): Uncertain significance (1 of 4 stars; one submission).

Conditions:
ALG6-congenital disorder of glycosylation 1C (CDG1C). Also called: CDG Ic; CARBOHYDRATE-DEFICIENT GLYCOPROTEIN SYNDROME, TYPE I, WITH DEFICIENT GLYCOSYLATION OF DOLICHOL-LINKED OLIGOSACCHARIDE; CARBOHYDRATE-DEFICIENT GLYCOPROTEIN SYNDROME, TYPE V; Congenital disorder of glycosylation type 1C; Congenital disorder of glycosylation, type Ic. Identifiers: Orphanet 79320, MedGen C2930997, MONDO:0011291, OMIM 603147.

Allele frequency attached by ClinVar (database versions not stated): gnomAD exomes below 0.00001.
gnomAD v4.1: 5 of 1,612,440 alleles (0.00031%); highest among the groups gnomAD compares: Non-Finnish European, 0.00025%; no homozygotes.

Submission:

Labcorp Genetics (formerly Invitae), Labcorp
Classification: Uncertain significance for ALG6-congenital disorder of glycosylation 1C. Last evaluated: 2022-02-03. Review status: criteria provided, single submitter. Criteria: Invitae Variant Classification Sherloc (09022015). Collection method: clinical testing. Allele origin: germline.
Comment: This sequence change falls in intron 13 of the ALG6 gene. It does not directly change the encoded amino acid sequence of the ALG6 protein. It affects a nucleotide within the consensus splice site. The frequency data for this variant in the population databases is considered unreliable, as metrics indicate poor data quality at this position in the gnomAD database. This variant has not been reported in the literature in individuals affected with ALG6-related conditions. Variants that disrupt the consensus splice site are a relatively common cause of aberrant splicing (PMID: 17576681, 9536098). Algorithms developed to predict the effect of sequence changes on RNA splicing suggest that this variant is not likely to affect RNA splicing. In summary, the available evidence is currently insufficient to determine the role of this variant in disease. Therefore, it has been classified as a Variant of Uncertain Significance.

Literature cited by the submitters: PubMed 17576681; PubMed 9536098.